The following is an entry in ClinVar:

ClinVar aggregate classification (germline): Conflicting classifications of pathogenicity. Review status: criteria provided, conflicting classifications (1 of 4 stars). 3 submissions from 3 submitters: Uncertain significance (1); Likely benign (2). Last evaluated 2025-12-05.

Conditions:
PGM1-congenital disorder of glycosylation. Also called: Congenital disorder of glycosylation type 1t; CDG It; PHOSPHOGLUCOMUTASE 1 DEFICIENCY; PGM1 DEFICIENCY; GLYCOGEN STORAGE DISEASE XIV; GSD XIV. Identifiers: Orphanet 319646, MedGen C2752015, MONDO:0013968, OMIM 614921.

Allele frequency attached by ClinVar (database versions not stated): TOPMed 0.00002.
gnomAD v4.1: 109 of 1,613,830 alleles (0.0068%); highest among the groups gnomAD compares: Admixed American, 0.013%; no homozygotes.

Submissions (3):

Labcorp Genetics (formerly Invitae), Labcorp
Classification: Likely benign for PGM1-congenital disorder of glycosylation. Last evaluated: 2025-12-05. Review status: criteria provided, single submitter. Criteria: Invitae Variant Classification Sherloc (09022015). Collection method: clinical testing. Allele origin: germline.

Mayo Clinic Laboratories, Mayo Clinic
Classification: Likely benign. Last evaluated: 2025-10-20. Review status: criteria provided, single submitter. Criteria: ACMG Guidelines, 2015. Collection method: clinical testing. Allele origin: germline. Observed: 1 variant allele.
Comment: BP4, BP7, PM2_supporting

Illumina Laboratory Services, Illumina
Classification: Uncertain significance for PGM1-congenital disorder of glycosylation. Last evaluated: 2018-01-13. Review status: criteria provided, single submitter. Criteria: ICSL Variant Classification Criteria 13 December 2019. Collection method: clinical testing. Allele origin: germline.

NM_002633.3(PGM1):c.1065C>A (p.Thr355=)

Gene: PGM1 (phosphoglucomutase 1; plus strand). Cytogenetic location: 1p31.3.
Variant type: single nucleotide variant.
Coding change: c.1065C>A on transcript NM_002633.3 (MANE Select); coding-DNA position 1065, C replaced by A.
Protein change: p.Thr355=; no amino-acid change (threonine 355 retained).
Molecular consequence: synonymous variant.
Genome position (GRCh38, 1-based): chr1:63,638,721, C>A. VCF-style: chr1-63638721-C-A. GRCh37 (hg19) VCF-style: chr1-64104392-C-A.
Other names: p.Thr355=; c.1119C>A, p.Thr373= (NM_001172818.1); c.474C>A, p.Thr158= (NM_001172819.2).
Identifiers: ClinVar variation 873659 (VCV000873659.9), dbSNP rs773677629, ClinGen allele CA889712.